The following is an entry in ClinVar:

NM_000308.4(CTSA):c.946C>T (p.Gln316Ter)

Gene: CTSA (cathepsin A; plus strand). Cytogenetic location: 20q13.12.
Variant type: single nucleotide variant.
Coding change: c.946C>T on transcript NM_000308.4 (MANE Select); coding-DNA position 946, C replaced by T.
Protein change: p.Gln316Ter; replaces glutamine 316 with a stop codon.
Molecular consequence: nonsense. On other transcripts: non-coding transcript variant (1).
Genome position (GRCh38, 1-based): chr20:45,894,899, C>T. VCF-style: chr20-45894899-C-T. GRCh37 (hg19) VCF-style: chr20-44523538-C-T.
Other names: c.1000C>T (NM_000308.3); c.946C>T, p.Gln316Ter (NM_001127695.3); c.895C>T, p.Gln299Ter (NM_001167594.3); short protein forms Q316*, Q299*.
Identifiers: ClinVar variation 1180709 (VCV001180709.8), dbSNP rs200565348, ClinGen allele CA9883202.
Genomic context (GRCh38, chr20:45,894,899, plus strand): 5'-GTTGTGGTCCAGGATTTGGGCAACATCTTCACTCGCCTGCCACTCAAGCGGATGTGGCAT[C>T]AGGTGTGCGAGGGCGTGGGCTTCCTCCTGGTGAGGTGGGGGCAGGGGGAGGGGCAGGGAA-3'

ClinVar aggregate classification (germline): Pathogenic/Likely pathogenic. Review status: criteria provided, multiple submitters, no conflicts (2 of 4 stars). 5 submissions from 5 submitters: Pathogenic (3); Likely pathogenic (2). Last evaluated 2026-01-13.

Conditions:
Combined deficiency of sialidase AND beta galactosidase (GSL). Also called: CATHEPSIN A DEFICIENCY; GOLDBERG SYNDROME; NEURAMINIDASE DEFICIENCY WITH BETA-GALACTOSIDASE DEFICIENCY; NEURAMINIDASE/BETA-GALACTOSIDASE EXPRESSION; PPCA DEFICIENCY; PROTECTIVE PROTEIN/CATHEPSIN A DEFICIENCY. Identifiers: Orphanet 351, MedGen C0268233, MONDO:0009737, OMIM 256540.
Abnormality of prenatal development or birth. Identifiers: MedGen C4025797, HP:0001197.

Allele frequency attached by ClinVar (database versions not stated): gnomAD exomes below 0.00001 and 0.00001; ExAC 0.00001.

Submissions (5):

Labcorp Genetics (formerly Invitae), Labcorp
Classification: Pathogenic for Combined deficiency of sialidase AND beta galactosidase. Last evaluated: 2026-01-13. Review status: criteria provided, single submitter. Criteria: Invitae Variant Classification Sherloc (09022015). Collection method: clinical testing. Allele origin: germline.
Comment: This sequence change creates a premature translational stop signal (p.Gln334*) in the CTSA gene. It is expected to result in an absent or disrupted protein product. Loss-of-function variants in CTSA are known to be pathogenic (PMID: 15110321, 23915561). This variant is present in population databases (rs200565348, gnomAD 0.0009%). This variant has not been reported in the literature in individuals affected with CTSA-related conditions. ClinVar contains an entry for this variant (Variation ID: 1180709). Algorithms developed to predict the effect of sequence changes on RNA splicing suggest that this variant may disrupt the consensus splice site. For these reasons, this variant has been classified as Pathogenic.

Fulgent Genetics
Classification: Likely pathogenic for Combined deficiency of sialidase AND beta galactosidase. Last evaluated: 2024-01-30. Review status: criteria provided, single submitter. Criteria: ACMG Guidelines, 2015. Collection method: clinical testing. Allele origin: germline.

Department of Medical Genetics, Sanjay Gandhi Post Graduate Institute of Medical Sciences
Classification: Pathogenic for Combined deficiency of sialidase AND beta galactosidase. Last evaluated: 2022-02-26. Review status: criteria provided, single submitter. Criteria: ACMG Guidelines, 2015. Collection method: research. Allele origin: germline. Inheritance: Autosomal recessive inheritance. Affected: yes. Observed: 1 homozygote.
Comment: A homozygous nonsense variation in exon 10 of CTSA gene results in a stop codon and premature protein truncation at codon 334. Based on ACMG/AMP guidelines this CTSA variant was classified as pathogenic (PVS1, PM2, PP3). It is expected to result in an absent or disrupted protein product. Loss-of-function variants in CTSA are known to be pathogenic

Kariminejad - Najmabadi Pathology & Genetics Center
Classification: Likely pathogenic for Abnormality of prenatal development or birth. Last evaluated: 2021-07-10. Review status: criteria provided, single submitter. Criteria: ACMG Guidelines, 2015. Collection method: clinical testing. Allele origin: germline. Affected: yes.

Victorian Clinical Genetics Services, Murdoch Childrens Research Institute
Classification: Pathogenic for Combined deficiency of sialidase AND beta galactosidase. Last evaluated: 2019-08-28. Review status: criteria provided, single submitter. Criteria: ACMG Guidelines, 2015. Collection method: clinical testing. Allele origin: germline. Inheritance: Autosomal recessive inheritance. Affected: yes.
Comment: A homozygous nonsense variant was identified, NM_000308.3(CTSA):c.1000C>T in exon 10 of the CTSA gene. This nonsense variant is predicted to create a change of glutamine to a stop at amino acid position 334 of the protein, NP_000299.2(CTSA):p.(Gln334*), resulting in the loss of normal protein function through nonsense-mediated decay (NMD). The variant is absent in the gnomAD population database. It has not been previously reported in clinical cases, however, other variants predicted to cause NMD have been reported as pathogenic in individuals with this condition (ClinVar). Based on information available at the time of curation, this variant has been classified as PATHOGENIC.

Literature cited by the submitters: PubMed 15110321 (cited by Labcorp Genetics (formerly Invitae), Labcorp); PubMed 23915561 (cited by Labcorp Genetics (formerly Invitae), Labcorp and Department of Medical Genetics, Sanjay Gandhi Post Graduate Institute of Medical Sciences).